The following is an entry in ClinVar:

NM_000038.6(APC):c.8240C>G (p.Pro2747Arg)

Gene: APC (APC regulator of Wnt signaling pathway; plus strand). Cytogenetic location: 5q22.2.
Variant type: single nucleotide variant.
Coding change: c.8240C>G on transcript NM_000038.6 (MANE Select); coding-DNA position 8240, C replaced by G.
Protein change: p.Pro2747Arg; replaces proline 2747 with arginine.
Molecular consequence: missense variant.
Genome position (GRCh38, 1-based): chr5:112,843,834, C>G. VCF-style: chr5-112843834-C-G. GRCh37 (hg19) VCF-style: chr5-112179531-C-G.
Other names: c.8186C>G, p.Pro2729Arg (NM_001127511.3); c.8294C>G, p.Pro2765Arg (NM_001354896.2, NM_001407447.1, NM_001407448.1 and 1 more transcripts); c.8270C>G, p.Pro2757Arg (NM_001354897.2); c.8240C>G, p.Pro2747Arg (NM_001354895.2, NM_001127510.3, NM_001407450.1); c.8165C>G, p.Pro2722Arg (NM_001354898.2); c.8156C>G, p.Pro2719Arg (NM_001354899.2); c.8117C>G, p.Pro2706Arg (NM_001354900.2); c.8063C>G, p.Pro2688Arg (NM_001354901.2, NM_001407453.1); and 11 more; short protein forms P2464R, P2656R, P2729R, P2621R, P2688R, P2706R, P2765R, P2618R.
Identifiers: ClinVar variation 1762595 (VCV001762595.3), dbSNP rs774747249, ClinGen allele CA050303.

ClinVar aggregate classification (germline): Uncertain significance (1 of 4 stars; one submission).

Conditions:
Hereditary cancer-predisposing syndrome. Also called: Neoplastic Syndromes, Hereditary; Tumor predisposition; Hereditary Cancer Syndrome; Hereditary neoplastic syndrome. Identifiers: Orphanet 140162, MedGen C0027672, MeSH D009386, MONDO:0015356.

Allele frequency attached by ClinVar (database versions not stated): gnomAD exomes below 0.00001.
gnomAD v4.1: 1 of 1,614,022 alleles (0.000062%); highest among the groups gnomAD compares: Non-Finnish European, 0.000085%; no homozygotes.

Submission:

Ambry Genetics
Classification: Uncertain significance for Hereditary cancer-predisposing syndrome. Last evaluated: 2025-04-25. Review status: criteria provided, single submitter. Criteria: Ambry Variant Classification Scheme 2023. Collection method: clinical testing. Allele origin: germline.
Comment: The p.P2747R variant (also known as c.8240C>G), located in coding exon 15 of the APC gene, results from a C to G substitution at nucleotide position 8240. The proline at codon 2747 is replaced by arginine, an amino acid with dissimilar properties. This amino acid position is well conserved in available vertebrate species. In addition, in silico predictors for this gene do not accurately predict pathogenicity. Missense alterations in APC are not a common cause of disease (Spier I et al. Genet Med. 2024 Feb;26(2):100992). Based on the available evidence, the clinical significance of this variant remains unclear.